The following is an entry in ClinVar:

NM_001042750.2(STAG2):c.2324A>G (p.Tyr775Cys)

Gene: STAG2 (STAG2 cohesin complex component; plus strand). Cytogenetic location: Xq25.
Variant type: single nucleotide variant.
Coding change: c.2324A>G on transcript NM_001042750.2 (MANE Select); coding-DNA position 2324, A replaced by G.
Protein change: p.Tyr775Cys; replaces tyrosine 775 with cysteine.
Molecular consequence: missense variant.
Genome position (GRCh38, 1-based): chrX:124,068,622, A>G. VCF-style: chrX-124068622-A-G. GRCh37 (hg19) VCF-style: chrX-123202472-A-G.
Other names: c.2324A>G, p.Tyr775Cys (NM_001042749.2, NM_001042751.2, NM_001282418.2 and 23 more transcripts); short protein forms Y775C.
Identifiers: ClinVar variation 4743607 (VCV004743607.1).

ClinVar aggregate classification (germline): Uncertain significance (1 of 4 stars; one submission).

gnomAD v4.1: 1 of 1,192,840 alleles (0.000084%); highest among the groups gnomAD compares: Non-Finnish European, 0.00011%; no homozygotes.

Submission:

Labcorp Genetics (formerly Invitae), Labcorp
Classification: Uncertain significance. Last evaluated: 2025-05-17. Review status: criteria provided, single submitter. Criteria: Invitae Variant Classification Sherloc (09022015). Collection method: clinical testing. Allele origin: germline.
Comment: This sequence change replaces tyrosine, which is neutral and polar, with cysteine, which is neutral and slightly polar, at codon 775 of the STAG2 protein (p.Tyr775Cys). This variant is not present in population databases (gnomAD no frequency). This variant has not been reported in the literature in individuals affected with STAG2-related conditions. Invitae Evidence Modeling of protein sequence and biophysical properties (such as structural, functional, and spatial information, amino acid conservation, physicochemical variation, residue mobility, and thermodynamic stability) indicates that this missense variant is not expected to disrupt STAG2 protein function with a negative predictive value of 80%. In summary, the available evidence is currently insufficient to determine the role of this variant in disease. Therefore, it has been classified as a Variant of Uncertain Significance.